The following is an entry in ClinVar:

ClinVar aggregate classification (germline): Uncertain significance (1 of 4 stars; one submission).

Conditions:
Cardiovascular phenotype. Identifiers: MedGen CN230736.

Submission:

Ambry Genetics
Classification: Uncertain significance for Cardiovascular phenotype. Last evaluated: 2026-07-28. Review status: criteria provided, single submitter. Criteria: Ambry Variant Classification Scheme 2023. Collection method: clinical testing. Allele origin: germline.
Comment: The p.A1023S variant (also known as c.3067G>T), located in coding exon 20 of the FLNC gene, results from a G to T substitution at nucleotide position 3067. The alanine at codon 1023 is replaced by serine, an amino acid with similar properties. This amino acid position is conserved. In addition, this alteration is predicted to be tolerated by in silico analysis. Based on the available evidence, the clinical significance of this variant remains unclear.

NM_001458.5(FLNC):c.3067G>T (p.Ala1023Ser)

Gene: FLNC (filamin C; plus strand). Cytogenetic location: 7q32.1.
Variant type: single nucleotide variant.
Coding change: c.3067G>T on transcript NM_001458.5 (MANE Select); coding-DNA position 3067, G replaced by T.
Protein change: p.Ala1023Ser; replaces alanine 1023 with serine.
Molecular consequence: missense variant.
Genome position (GRCh38, 1-based): chr7:128,844,141, G>T. VCF-style: chr7-128844141-G-T. GRCh37 (hg19) VCF-style: chr7-128484195-G-T.
Other names: c.3067G>T, p.Ala1023Ser (NM_001127487.2); short protein forms A1023S.
Identifiers: ClinVar variation 5021956 (VCV005021956.1).